The following is an entry in ClinVar:

NM_000051.4(ATM):c.2454T>C (p.Ile818=)

Gene: ATM (ATM serine/threonine kinase; plus strand). Cytogenetic location: 11q22.3.
Variant type: single nucleotide variant.
Coding change: c.2454T>C on transcript NM_000051.4 (MANE Select); coding-DNA position 2454, T replaced by C.
Protein change: p.Ile818=; no amino-acid change (isoleucine 818 retained).
Molecular consequence: synonymous variant.
Genome position (GRCh38, 1-based): chr11:108,259,063, T>C. VCF-style: chr11-108259063-T-C. GRCh37 (hg19) VCF-style: chr11-108129790-T-C.
Other names: c.2454T>C, p.Ile818= (NM_001351834.2).
Identifiers: ClinVar variation 3254423 (VCV003254423.1), dbSNP rs2135422219.

ClinVar aggregate classification (germline): Benign (1 of 4 stars; one submission).

Conditions:
Familial cancer of breast. Also called: BREAST CANCER, FAMILIAL; Hereditary breast cancer; hereditary breast carcinoma. Identifiers: Orphanet 227535, MedGen C0346153, MONDO:0016419, OMIM 114480. Disease mechanism: loss of function.

Allele frequency attached by ClinVar (database versions not stated): gnomAD exomes below 0.00001.
gnomAD v4.1: 1 of 1,612,832 alleles (0.000062%); highest among the groups gnomAD compares: South Asian, 0.0011%; no homozygotes.

Submission:

Myriad Genetics, Inc.
Classification: Benign for Familial cancer of breast. Last evaluated: 2024-05-09. Review status: criteria provided, single submitter. Criteria: Myriad Autosomal Dominant, Autosomal Recessive and X-Linked Classification Criteria (2023). Collection method: clinical testing. Allele origin: unknown.
Comment: This variant is considered benign. This variant is a silent/synonymous amino acid change and it is not expected to impact splicing.